The following is an entry in ClinVar:

NM_001374736.1(DST):c.13624T>C (p.Ser4542Pro)

Gene: DST (dystonin; minus strand). Cytogenetic location: 6p12.1.
Variant type: single nucleotide variant.
Coding change: c.13624T>C on transcript NM_001374736.1 (MANE Select); coding-DNA position 13624, T replaced by C.
Protein change: p.Ser4542Pro; replaces serine 4542 with proline.
Molecular consequence: missense variant.
Genome position (GRCh38, 1-based): chr6:56,572,197, A>G on the plus strand (T>C on the coding strand, the complement: DST is on the minus strand). VCF-style: chr6-56572197-A-G. GRCh37 (hg19) VCF-style: chr6-56436995-A-G.
Other names: c.7267T>C, p.Ser2423Pro (NM_001144769.5); c.6853T>C, p.Ser2285Pro (NM_001144770.2); c.13624T>C, p.Ser4542Pro (NM_001374722.1); c.12991T>C, p.Ser4331Pro (NM_001374729.1); c.6733T>C, p.Ser2245Pro (NM_001374730.1, NM_001386100.1, NM_183380.4); c.13651T>C, p.Ser4551Pro (NM_001374734.1); c.5755T>C, p.Ser1919Pro (NM_015548.5); short protein forms S1919P, S2245P, S2285P, S2423P, S4331P, S4542P, S4551P.
Identifiers: ClinVar variation 3749225 (VCV003749225.2).
Genomic context (GRCh38, chr6:56,572,197, plus strand): 5'-TTGACAAATTATTTGTTTTTTCAAGGACCAAAGCCTTATCACTTGGTAAGCCATGGCTGG[A>G]TATCTCCTTCAAGAGACTATGCAAAACTTCAAGATGTTTCTTGTGTTCTAAAAATTCAGA-3'
Protein context (NP_001361665.1, residues 4532-4552): EVLHSLLKEI[Ser4542Pro]SHGLPSDKAL

ClinVar aggregate classification (germline): Uncertain significance (1 of 4 stars; one submission).

Conditions:
Hereditary sensory and autonomic neuropathy type 6. Also called: HSAN VI; Neuropathy, hereditary sensory and autonomic, type VI. Identifiers: Orphanet 314381, MedGen C3539003, MONDO:0013839, OMIM 614653.
Epidermolysis bullosa simplex 3, localized or generalized intermediate, with BP230 deficiency (EBS3). Also called: Epidermolysis bullosa simplex due to BP230 deficiency; Epidermolysis bullosa simplex, autosomal recessive 2. Identifiers: Orphanet 412181, MedGen C3809470, MONDO:0014180, OMIM 615425.

gnomAD v4.1: 5 of 1,571,628 alleles (0.00032%); highest among the groups gnomAD compares: Non-Finnish European, 0.00035%; no homozygotes.

Submission:

Labcorp Genetics (formerly Invitae), Labcorp
Classification: Uncertain significance for Epidermolysis bullosa simplex 3, localized or generalized intermediate, with BP230 deficiency; Hereditary sensory and autonomic neuropathy type 6. Last evaluated: 2024-06-10. Review status: criteria provided, single submitter. Criteria: Invitae Variant Classification Sherloc (09022015). Collection method: clinical testing. Allele origin: germline.
Comment: The DST gene has multiple clinically relevant transcripts. This variant occurs in alternate transcript NM_015548.4, and corresponds to NM_001723.5:c.*43320T>C in the primary transcript. This sequence change replaces serine, which is neutral and polar, with proline, which is neutral and non-polar, at codon 1919 of the DST protein (p.Ser1919Pro). This variant is present in population databases (no rsID available, gnomAD 0.03%). This variant has not been reported in the literature in individuals affected with DST-related conditions. Experimental studies and prediction algorithms are not available or were not evaluated, and the functional significance of this variant is currently unknown. In summary, the available evidence is currently insufficient to determine the role of this variant in disease. Therefore, it has been classified as a Variant of Uncertain Significance.